The following is an entry in ClinVar:

NM_001243133.2(NLRP3):c.935A>C (p.His312Pro)

Gene: NLRP3 (NLR family pyrin domain containing 3; plus strand). Cytogenetic location: 1q44.
Variant type: single nucleotide variant.
Coding change: c.935A>C on transcript NM_001243133.2 (MANE Select); coding-DNA position 935, A replaced by C.
Protein change: p.His312Pro; replaces histidine 312 with proline.
Molecular consequence: missense variant.
Genome position (GRCh38, 1-based): chr1:247,424,384, A>C. VCF-style: chr1-247424384-A-C. GRCh37 (hg19) VCF-style: chr1-247587686-A-C.
Other names: c.935A>C, p.His312Pro (NM_001079821.3, NM_001127461.3, NM_001127462.3 and 1 more transcripts); c.941A>C, p.His314Pro (NM_004895.5); short protein forms H314P, H312P.
Identifiers: ClinVar variation 97988 (VCV000097988.1), dbSNP rs180177488, ClinGen allele CA281427.

ClinVar aggregate classification (germline): not provided (0 of 4 stars; one submission).

Conditions:
Familial cold autoinflammatory syndrome 1 (FCAS1). Also called: CRYOPYRIN-ASSOCIATED PERIODIC SYNDROME 1; Familial cold inflammatory syndrome 1. Identifiers: Orphanet 47045, MedGen C4551895, MONDO:0007349, OMIM 120100.

Submission:

Unité médicale des maladies autoinflammatoires, CHRU Montpellier
No classification provided. Condition: Familial cold urticaria. Review status: no classification provided. Collection method: not provided. Allele origin: unknown.
Comment: also involved in OMIM 191900 and 607115